The following is an entry in ClinVar:

NM_000944.5(PPP3CA):c.522A>G (p.Val174=)

Gene: PPP3CA (protein phosphatase 3 catalytic subunit alpha; minus strand). Cytogenetic location: 4q24.
Variant type: single nucleotide variant.
Coding change: c.522A>G on transcript NM_000944.5 (MANE Select); coding-DNA position 522, A replaced by G.
Protein change: p.Val174=; no amino-acid change (valine 174 retained).
Molecular consequence: synonymous variant.
Genome position (GRCh38, 1-based): chr4:101,098,487, T>C on the plus strand (A>G on the coding strand, the complement: PPP3CA is on the minus strand). VCF-style: chr4-101098487-T-C. GRCh37 (hg19) VCF-style: chr4-102019644-T-C.
Other names: c.522A>G, p.Val174= (NM_001130691.2, NM_001130692.2).
Identifiers: ClinVar variation 3351452 (VCV003351452.1).

ClinVar aggregate classification (germline): Likely benign (0 of 4 stars; one submission).

Conditions:
PPP3CA-related disorder. Also called: PPP3CA-related disorders; PPP3CA-related condition.

gnomAD v4.1: 3 of 1,609,546 alleles (0.00019%); highest among the groups gnomAD compares: Non-Finnish European, 0.00025%; no homozygotes.

Submission:

PreventionGenetics, part of Exact Sciences
Classification: Likely benign for PPP3CA-related condition. Last evaluated: 2024-07-14. Review status: no assertion criteria provided. Collection method: clinical testing. Allele origin: germline.
Comment: This variant is classified as likely benign based on ACMG/AMP sequence variant interpretation guidelines (Richards et al. 2015 PMID: 25741868, with internal and published modifications).